The following is an entry in ClinVar:

ClinVar aggregate classification (germline): Uncertain significance. Review status: criteria provided, multiple submitters, no conflicts (2 of 4 stars). 2 submissions from 2 submitters: Uncertain significance (2). Last evaluated 2026-08-25.

Conditions:
MPZ-related disorder. Also called: MPZ-related disorders; MPZ-related condition.
Charcot-Marie-Tooth disease, type I (CMT1). Also called: Charcot-Marie-Tooth disease type 1; Charcot-Marie-Tooth, Type 1. Identifiers: Orphanet 65753, MedGen C0751036, MONDO:0019011.

gnomAD v4.1: 3 of 1,589,684 alleles (0.00019%); highest among the groups gnomAD compares: Non-Finnish European, 0.00017%; no homozygotes.

Submissions (2):

PreventionGenetics, part of Exact Sciences
Classification: Uncertain significance for MPZ-related condition. Last evaluated: 2026-08-25. Review status: criteria provided, single submitter. Criteria: ACMG Guidelines, 2015. Collection method: clinical testing. Allele origin: germline.
Comment: The MPZ c.247G>A variant is predicted to result in the amino acid substitution p.Ala83Thr. To our knowledge, this variant has not been reported in the literature. This variant is reported in 0.0015% of alleles in individuals of European (non-Finnish) descent in gnomAD. At this time, the clinical significance of this variant is uncertain due to the absence of conclusive functional and genetic evidence.

Labcorp Genetics (formerly Invitae), Labcorp
Classification: Uncertain significance for Charcot-Marie-Tooth disease, type I. Last evaluated: 2024-06-28. Review status: criteria provided, single submitter. Criteria: Invitae Variant Classification Sherloc (09022015). Collection method: clinical testing. Allele origin: germline.
Comment: This sequence change replaces alanine, which is neutral and non-polar, with threonine, which is neutral and polar, at codon 83 of the MPZ protein (p.Ala83Thr). This variant is present in population databases (no rsID available, gnomAD 0.002%). This variant has not been reported in the literature in individuals affected with MPZ-related conditions. Advanced modeling of protein sequence and biophysical properties (such as structural, functional, and spatial information, amino acid conservation, physicochemical variation, residue mobility, and thermodynamic stability) performed at Invitae indicates that this missense variant is not expected to disrupt MPZ protein function with a negative predictive value of 80%. In summary, the available evidence is currently insufficient to determine the role of this variant in disease. Therefore, it has been classified as a Variant of Uncertain Significance.

NM_000530.8(MPZ):c.247G>A (p.Ala83Thr)

Gene: MPZ (myelin protein zero; minus strand). Cytogenetic location: 1q23.3.
Variant type: single nucleotide variant.
Coding change: c.247G>A on transcript NM_000530.8 (MANE Select); coding-DNA position 247, G replaced by A.
Protein change: p.Ala83Thr; replaces alanine 83 with threonine.
Molecular consequence: missense variant.
Genome position (GRCh38, 1-based): chr1:161,306,909, C>T on the plus strand (G>A on the coding strand, the complement: MPZ is on the minus strand). VCF-style: chr1-161306909-C-T. GRCh37 (hg19) VCF-style: chr1-161276699-C-T.
Other names: c.247G>A, p.Ala83Thr (NM_001315491.2); c.247G>A (NM_000530.7); short protein forms A83T.
Identifiers: ClinVar variation 3621057 (VCV003621057.3).
Genomic context (GRCh38, chr1:161,306,909, plus strand): 5'-CTACCCACTGGATGCGCTCTTTGAAGGTCCCCACCTCGTCAATGTAGGGTTGTCCCTTGG[C>T]ATAGTGGAAGATCTATGAGGAATGAGGGGAAGCATGTGAGAGGACCCTAATGAGAACACA-3'
Protein context (NP_000521.2, residues 73-93): GRDAISIFHY[Ala83Thr]KGQPYIDEVG